The following is an entry in ClinVar:

NM_004281.4(BAG3):c.1593A>G (p.Ala531=)

Gene: BAG3 (BAG cochaperone 3; plus strand). Cytogenetic location: 10q26.11.
Variant type: single nucleotide variant.
Coding change: c.1593A>G on transcript NM_004281.4 (MANE Select); coding-DNA position 1593, A replaced by G.
Protein change: p.Ala531=; no amino-acid change (alanine 531 retained).
Molecular consequence: synonymous variant.
Genome position (GRCh38, 1-based): chr10:119,677,147, A>G. VCF-style: chr10-119677147-A-G. GRCh37 (hg19) VCF-style: chr10-121436659-A-G.
Identifiers: ClinVar variation 382173 (VCV000382173.12), dbSNP rs1057521271, ClinGen allele CA16606639.

ClinVar aggregate classification (germline): Likely benign. Review status: criteria provided, multiple submitters, no conflicts (2 of 4 stars). 3 submissions from 3 submitters: Likely benign (3). Last evaluated 2025-07-29.

Conditions:
Cardiovascular phenotype. Identifiers: MedGen CN230736.
Dilated cardiomyopathy 1HH (CMD1HH). Identifiers: Orphanet 154, MedGen C3151293, MONDO:0013479, OMIM 613881.
Myofibrillar myopathy 6. Identifiers: Orphanet 199340, MedGen C2751831, MONDO:0013061, OMIM 612954.

Allele frequency attached by ClinVar (database versions not stated): gnomAD 0.00001; gnomAD exomes 0.00001; TOPMed 0.00001.
gnomAD v4.1: 20 of 1,614,100 alleles (0.0012%); highest among the groups gnomAD compares: Non-Finnish European, 0.0015%; no homozygotes.

Submissions (3):

Labcorp Genetics (formerly Invitae), Labcorp
Classification: Likely benign for Dilated cardiomyopathy 1HH; Myofibrillar myopathy 6. Last evaluated: 2025-07-29. Review status: criteria provided, single submitter. Criteria: Invitae Variant Classification Sherloc (09022015). Collection method: clinical testing. Allele origin: germline.

Ambry Genetics
Classification: Likely benign for Cardiovascular phenotype. Last evaluated: 2019-08-01. Review status: criteria provided, single submitter. Criteria: Ambry Variant Classification Scheme 2023. Collection method: clinical testing. Allele origin: germline.

GeneDx
Classification: Likely benign. Last evaluated: 2015-12-08. Review status: criteria provided, single submitter. Criteria: GeneDx Variant Classification (06012015). Collection method: clinical testing. Allele origin: germline. Affected: yes.
Comment: This variant is considered likely benign or benign based on one or more of the following criteria: it is a conservative change, it occurs at a poorly conserved position in the protein, it is predicted to be benign by multiple in silico algorithms, and/or has population frequency not consistent with disease.